The following is an entry in ClinVar:

ClinVar aggregate classification (germline): Benign. Review status: criteria provided, multiple submitters, no conflicts (2 of 4 stars). 2 submissions from 2 submitters: Benign (2). Last evaluated 2018-01-12.

Conditions:
MAPT-Related Spectrum Disorders.

Allele frequency attached by ClinVar (database versions not stated): TOPMed 0.01620; gnomAD 0.01741 and 0.01890; 1000 Genomes Project 30x 0.01749; 1000 Genomes Project 0.01857; gnomAD exomes 0.02517.
gnomAD v4.1: 5,032 of 239,084 alleles (2.1%); highest among the groups gnomAD compares: South Asian, 5.6%; 111 homozygotes.

Submissions (2):

Illumina Laboratory Services, Illumina
Classification: Benign for MAPT-Related Spectrum Disorders. Last evaluated: 2018-01-12. Review status: criteria provided, single submitter. Criteria: ICSL Variant Classification Criteria 13 December 2019. Collection method: clinical testing. Allele origin: germline.
Comment: This variant was observed in the ICSL laboratory as part of a predisposition screen in an ostensibly healthy population. It had not been previously curated by ICSL or reported in the Human Gene Mutation Database (HGMD: prior to June 1st, 2018), and was therefore a candidate for classification through an automated scoring system. Utilizing variant allele frequency, disease prevalence and penetrance estimates, and inheritance mode, an automated score was calculated to assess if this variant is too frequent to cause the disease. Based on the score and internal cut-off values, a variant classified as benign is not then subjected to further curation. The score for this variant resulted in a classification of benign for this disease.

Breakthrough Genomics
Classification: Benign. Review status: criteria provided, single submitter. Criteria: ACMG Guidelines, 2015. Collection method: not provided. Allele origin: germline. Inheritance: Autosomal recessive inheritance. Affected: yes.

NM_001377265.1(MAPT):c.*464G>A

Gene: MAPT (microtubule associated protein tau). Cytogenetic location: 17q21.31.
Variant type: single nucleotide variant.
Coding change: c.*464G>A on transcript NM_001377265.1 (MANE Select); 464 bases downstream of the stop codon, G replaced by A.
Molecular consequence: 3 prime UTR variant. On other transcripts: non-coding transcript variant (1), intron variant (1).
Genome position (GRCh38, 1-based): chr17:46,024,635, G>A. VCF-style: chr17-46024635-G-A. GRCh37 (hg19) VCF-style: chr17-44102001-G-A.
Other names: c.*464G>A (NM_001123066.4, NM_001123067.4, NM_001203251.2 and 7 more transcripts); c.772-482G>A (NM_001377267.1).
Identifiers: ClinVar variation 323660 (VCV000323660.6), dbSNP rs17574005, ClinGen allele CA10645899.